The following is an entry in ClinVar:

NM_003442.6(ZNF143):c.631G>A (p.Glu211Lys)

Gene: ZNF143 (zinc finger protein 143; plus strand). Cytogenetic location: 11p15.4.
Variant type: single nucleotide variant.
Coding change: c.631G>A on transcript NM_003442.6 (MANE Select); coding-DNA position 631, G replaced by A.
Protein change: p.Glu211Lys; replaces glutamic acid 211 with lysine.
Molecular consequence: missense variant.
Genome position (GRCh38, 1-based): chr11:9,479,532, G>A. VCF-style: chr11-9479532-G-A. GRCh37 (hg19) VCF-style: chr11-9501079-G-A.
Other names: c.628G>A, p.Glu210Lys (NM_001282656.2); c.538G>A, p.Glu180Lys (NM_001282657.2); short protein forms E180K, E210K, E211K.
Identifiers: ClinVar variation 2327160 (VCV002327160.5), dbSNP rs779419074, ClinGen allele CA5879424.

ClinVar aggregate classification (germline): Uncertain significance. Review status: criteria provided, multiple submitters, no conflicts (2 of 4 stars). 2 submissions from 2 submitters: Uncertain significance (2). Last evaluated 2025-08-03.

Allele frequency attached by ClinVar (database versions not stated): ExAC 0.00001; gnomAD 0.00003; TOPMed 0.00004.
gnomAD v4.1: 11 of 1,612,378 alleles (0.00068%); highest among the groups gnomAD compares: African/African-American, 0.012%; no homozygotes.

Submissions (2):

Ambry Genetics
Classification: Uncertain significance. Last evaluated: 2025-08-03. Review status: criteria provided, single submitter. Criteria: Ambry Variant Classification Scheme 2023. Collection method: clinical testing. Allele origin: germline.

Labcorp Genetics (formerly Invitae), Labcorp
Classification: Uncertain significance. Last evaluated: 2024-11-25. Review status: criteria provided, single submitter. Criteria: Invitae Variant Classification Sherloc (09022015). Collection method: clinical testing. Allele origin: germline.
Comment: This sequence change replaces glutamic acid, which is acidic and polar, with lysine, which is basic and polar, at codon 211 of the ZNF143 protein (p.Glu211Lys). This variant is present in population databases (rs779419074, gnomAD 0.01%). This variant has not been reported in the literature in individuals affected with ZNF143-related conditions. ClinVar contains an entry for this variant (Variation ID: 2327160). An algorithm developed to predict the effect of missense changes on protein structure and function (PolyPhen-2) suggests that this variant is likely to be tolerated. In summary, the available evidence is currently insufficient to determine the role of this variant in disease. Therefore, it has been classified as a Variant of Uncertain Significance.